The following is an entry in ClinVar:

ClinVar aggregate classification (germline): Benign/Likely benign. Review status: criteria provided, multiple submitters, no conflicts (2 of 4 stars). 7 submissions from 7 submitters: Benign (5); Likely benign (2). Last evaluated 2026-02-01.

Conditions:
Bruck syndrome 2 (BRKS2). Also called: OSTEOGENESIS IMPERFECTA WITH CONGENITAL JOINT CONTRACTURES. Identifiers: Orphanet 2771, MedGen C1836602, MONDO:0012217, OMIM 609220.
Osteogenesis imperfecta (OI). Identifiers: Orphanet 666, MedGen C0029434, MeSH D010013, MONDO:0019019.

Allele frequency attached by ClinVar (database versions not stated): gnomAD exomes 0.00112; ExAC 0.00143; gnomAD 0.00398 and 0.00428; 1000 Genomes Project 0.00399; 1000 Genomes Project 30x 0.00406; TOPMed 0.00478; ESP Exome Variant Server 0.00524.
gnomAD v4.1: 1,351 of 1,574,850 alleles (0.086%); highest among the groups gnomAD compares: African/African-American, 1.4%; 5 homozygotes.

Submissions (7):

Labcorp Genetics (formerly Invitae), Labcorp
Classification: Benign. Last evaluated: 2026-02-01. Review status: criteria provided, single submitter. Criteria: Invitae Variant Classification Sherloc (09022015). Collection method: clinical testing. Allele origin: germline.

Blueprint Genetics
Classification: Likely benign. Last evaluated: 2024-09-13. Review status: criteria provided, single submitter. Criteria: ACMG Guidelines, 2015. Collection method: clinical testing. Allele origin: germline.

ARUP Laboratories, Molecular Genetics and Genomics, ARUP Laboratories
Classification: Benign for Bruck syndrome 2. Last evaluated: 2023-11-22. Review status: criteria provided, single submitter. Criteria: ARUP Molecular Germline Variant Investigation Process 2024. Collection method: clinical testing. Allele origin: germline.

Genome Diagnostics Laboratory, The Hospital for Sick Children
Classification: Likely benign for Osteogenesis imperfecta. Last evaluated: 2021-08-13. Review status: criteria provided, single submitter. Criteria: ACMG Guidelines, 2015. Collection method: clinical testing. Allele origin: germline.

GeneDx
Classification: Benign. Last evaluated: 2018-07-16. Review status: criteria provided, single submitter. Criteria: GeneDx Variant Classification Process June 2021. Collection method: clinical testing. Allele origin: germline. Affected: yes.

Illumina Laboratory Services, Illumina
Classification: Benign for Bruck syndrome 2. Last evaluated: 2018-01-13. Review status: criteria provided, single submitter. Criteria: ICSL Variant Classification Criteria 13 December 2019. Collection method: clinical testing. Allele origin: germline.
Comment: This variant was observed in the ICSL laboratory as part of a predisposition screen in an ostensibly healthy population. It had not been previously curated by ICSL or reported in the Human Gene Mutation Database (HGMD: prior to June 1st, 2018), and was therefore a candidate for classification through an automated scoring system. Utilizing variant allele frequency, disease prevalence and penetrance estimates, and inheritance mode, an automated score was calculated to assess if this variant is too frequent to cause the disease. Based on the score and internal cut-off values, a variant classified as benign is not then subjected to further curation. The score for this variant resulted in a classification of benign for this disease.

Breakthrough Genomics
Classification: Benign. Review status: criteria provided, single submitter. Criteria: ACMG Guidelines, 2015. Collection method: not provided. Allele origin: germline. Inheritance: Autosomal recessive inheritance. Affected: yes.

NM_182943.3(PLOD2):c.1647T>C (p.Asn549=)

Gene: PLOD2 (procollagen-lysine,2-oxoglutarate 5-dioxygenase 2; minus strand). Cytogenetic location: 3q24.
Variant type: single nucleotide variant.
Coding change: c.1647T>C on transcript NM_182943.3 (MANE Select); coding-DNA position 1647, T replaced by C.
Protein change: p.Asn549=; no amino-acid change (asparagine 549 retained).
Molecular consequence: synonymous variant.
Genome position (GRCh38, 1-based): chr3:146,076,812, A>G on the plus strand (T>C on the coding strand, the complement: PLOD2 is on the minus strand). VCF-style: chr3-146076812-A-G. GRCh37 (hg19) VCF-style: chr3-145794599-A-G.
Other names: c.1584T>C, p.Asn528= (NM_000935.3).
Identifiers: ClinVar variation 708661 (VCV000708661.20), dbSNP rs141850775, ClinGen allele CA2654816.
Genomic context (GRCh38, chr3:146,076,812, plus strand): 5'-AAATAATAAAGTTGAGTATGAAATACATACCACAGGATTTTCAAAAATCTGCCAGAGGTC[A>G]TTGTTATAATGGGAAGTATTGTAATTAGCAGTGGATAATAGCCTTCCAAATTCATGTCTA-3'
Protein context (NP_891988.1, residues 539-559): TANYNTSHYN[Asn549=]DLWQIFENPV